The following is an entry in ClinVar:

NM_152703.5(SAMD9L):c.1522A>T (p.Thr508Ser)

Gene: SAMD9L (sterile alpha motif domain containing 9 like; minus strand). Cytogenetic location: 7q21.2.
Variant type: single nucleotide variant.
Coding change: c.1522A>T on transcript NM_152703.5 (MANE Select); coding-DNA position 1522, A replaced by T.
Protein change: p.Thr508Ser; replaces threonine 508 with serine.
Molecular consequence: missense variant.
Genome position (GRCh38, 1-based): chr7:93,134,450, T>A on the plus strand (A>T on the coding strand, the complement: SAMD9L is on the minus strand). VCF-style: chr7-93134450-T-A. GRCh37 (hg19) VCF-style: chr7-92763763-T-A.
Other names: c.1522A>T, p.Thr508Ser (NM_001303496.3, NM_001303497.3, NM_001303498.3 and 5 more transcripts); short protein forms T508S.
Identifiers: ClinVar variation 4863920 (VCV004863920.1).
Genomic context (GRCh38, chr7:93,134,450, plus strand): 5'-GTTTCCTGACTTCTGAAGCTCTTTCTCTCTGCCATAAATGTGGTTCTAGAGGTTTATATG[T>A]CTCGCTTTTCAGGTCTGATCTGCCGTTGCAGAAAATCCAGCTGGGCTGTTGGTAAAGATT-3'
Protein context (NP_689916.2, residues 498-518): CNGRSDLKSE[Thr508Ser]YKPLEPHLWQ

ClinVar aggregate classification (germline): Uncertain significance (1 of 4 stars; one submission).

Conditions:
Inborn genetic diseases. Identifiers: MedGen C0950123, MeSH D030342.

Submission:

Ambry Genetics
Classification: Uncertain significance for Inborn genetic diseases. Last evaluated: 2026-03-30. Review status: criteria provided, single submitter. Criteria: Ambry Variant Classification Scheme 2023. Collection method: clinical testing. Allele origin: germline.
Comment: The p.T508S variant (also known as c.1522A>T), located in coding exon 1 of the SAMD9L gene, results from an A to T substitution at nucleotide position 1522. The threonine at codon 508 is replaced by serine, an amino acid with similar properties. This amino acid position is conserved. In addition, this alteration is predicted to be tolerated by in silico analysis. Based on the available evidence, the clinical significance of this variant remains unclear.